The following is an entry in ClinVar:

NM_001101362.3(KBTBD13):c.1187C>T (p.Ala396Val)

Gene: KBTBD13 (kelch repeat and BTB domain containing 13; plus strand). Cytogenetic location: 15q22.31.
Variant type: single nucleotide variant.
Coding change: c.1187C>T on transcript NM_001101362.3 (MANE Select); coding-DNA position 1187, C replaced by T.
Protein change: p.Ala396Val; replaces alanine 396 with valine.
Molecular consequence: missense variant.
Genome position (GRCh38, 1-based): chr15:65,078,002, C>T. VCF-style: chr15-65078002-C-T. GRCh37 (hg19) VCF-style: chr15-65370340-C-T.
Other names: short protein forms A396V.
Identifiers: ClinVar variation 2195867 (VCV002195867.5), dbSNP rs1384561369, ClinGen allele CA392865779.

ClinVar aggregate classification (germline): Uncertain significance. Review status: criteria provided, multiple submitters, no conflicts (2 of 4 stars). 2 submissions from 2 submitters: Uncertain significance (2). Last evaluated 2024-08-14.

Conditions:
Nemaline myopathy 6 (NEM6). Also called: Nemaline myopathy 6, autosomal dominant. Identifiers: Orphanet 171439, MedGen C1836472, MONDO:0012237, OMIM 609273.

Allele frequency attached by ClinVar (database versions not stated): gnomAD exomes below 0.00001; TOPMed below 0.00001.

Submissions (2):

Labcorp Genetics (formerly Invitae), Labcorp
Classification: Uncertain significance for Nemaline myopathy 6. Last evaluated: 2024-08-14. Review status: criteria provided, single submitter. Criteria: Invitae Variant Classification Sherloc (09022015). Collection method: clinical testing. Allele origin: germline.
Comment: This sequence change replaces alanine, which is neutral and non-polar, with valine, which is neutral and non-polar, at codon 396 of the KBTBD13 protein (p.Ala396Val). This variant is not present in population databases (gnomAD no frequency). This variant has not been reported in the literature in individuals affected with KBTBD13-related conditions. ClinVar contains an entry for this variant (Variation ID: 2195867). An algorithm developed to predict the effect of missense changes on protein structure and function (PolyPhen-2) suggests that this variant is likely to be disruptive. In summary, the available evidence is currently insufficient to determine the role of this variant in disease. Therefore, it has been classified as a Variant of Uncertain Significance.

GeneDx
Classification: Uncertain significance. Last evaluated: 2023-03-29. Review status: criteria provided, single submitter. Criteria: GeneDx Variant Classification Process June 2021. Collection method: clinical testing. Allele origin: germline. Affected: yes.
Comment: Not observed at significant frequency in large population cohorts (gnomAD); In silico analysis supports that this missense variant has a deleterious effect on protein structure/function; Has not been previously published as pathogenic or benign to our knowledge